The following is an entry in ClinVar:

ClinVar aggregate classification (germline): Benign/Likely benign. Review status: criteria provided, multiple submitters, no conflicts (2 of 4 stars). 4 submissions from 4 submitters: Benign (3); Likely benign (1). Last evaluated 2026-01-21.

Conditions:
Hereditary spastic paraplegia 4. Also called: Spastic paraplegia 4, autosomal dominant; Familial spastic paraplegia autosomal dominant 2; Spastic Paraplegia 4. Identifiers: Orphanet 100985, MedGen C1866855, MONDO:0008438, OMIM 182601.

Allele frequency attached by ClinVar (database versions not stated): ESP Exome Variant Server 0.00015; gnomAD 0.00056 and 0.00109; TOPMed 0.00067; gnomAD exomes 0.00238; ExAC 0.00268; 1000 Genomes Project 30x 0.00375; 1000 Genomes Project 0.00419.
gnomAD v4.1: 2,135 of 1,612,488 alleles (0.13%); highest among the groups gnomAD compares: South Asian, 1.5%; 28 homozygotes.

Submissions (4):

Labcorp Genetics (formerly Invitae), Labcorp
Classification: Benign for Hereditary spastic paraplegia 4. Last evaluated: 2026-01-21. Review status: criteria provided, single submitter. Criteria: Invitae Variant Classification Sherloc (09022015). Collection method: clinical testing. Allele origin: germline.

Illumina Laboratory Services, Illumina
Classification: Likely benign for Hereditary spastic paraplegia 4. Last evaluated: 2017-04-27. Review status: criteria provided, single submitter. Criteria: ICSL Variant Classification Criteria 13 December 2019. Collection method: clinical testing. Allele origin: germline.
Comment: This variant was observed as part of a predisposition screen in an ostensibly healthy population. A literature search was performed for the gene, cDNA change, and amino acid change (where applicable). No publications were found based on this search. Allele frequency data from public databases allowed determination this variant is unlikely to cause disease. Therefore, this variant is classified as likely benign.

GeneDx
Classification: Benign. Last evaluated: 2016-09-30. Review status: criteria provided, single submitter. Criteria: GeneDx Variant Classification (06012015). Collection method: clinical testing. Allele origin: germline. Affected: yes.
Comment: This variant is considered likely benign or benign based on one or more of the following criteria: it is a conservative change, it occurs at a poorly conserved position in the protein, it is predicted to be benign by multiple in silico algorithms, and/or has population frequency not consistent with disease.

Eurofins Ntd Llc (ga)
Classification: Benign. Last evaluated: 2015-02-16. Review status: criteria provided, single submitter. Criteria: EGL Classification Definitions 2015. Collection method: clinical testing. Allele origin: germline. Observed: 1 variant allele, 1 heterozygote.

NM_014946.4(SPAST):c.683-9C>T

Gene: SPAST (spastin; plus strand). Cytogenetic location: 2p22.3.
Variant type: single nucleotide variant.
Coding change: c.683-9C>T on transcript NM_014946.4 (MANE Select); 9 bases into the intron before coding-DNA position 683, C replaced by T.
Molecular consequence: intron variant.
Genome position (GRCh38, 1-based): chr2:32,114,629, C>T. VCF-style: chr2-32114629-C-T. GRCh37 (hg19) VCF-style: chr2-32339698-C-T.
Other names: c.587-9C>T (NM_199436.2, NM_001377959.1); c.680-9C>T (NM_001363823.2); c.584-9C>T (NM_001363875.2).
Identifiers: ClinVar variation 197814 (VCV000197814.19), dbSNP rs202209866, ClinGen allele CA203102.
Genomic context (GRCh38, chr2:32,114,629, plus strand): 5'-AAATGTTTGCTTGTCTTTATGTTCAGCTACAATTTTCTAATCACAATGGTTTTACTTTTT[C>T]CTTGTCAGAAAGTGGAGCTGTTCCAAAAAGAAAAGACCCCTTAACACACACTAGTAATTC-3'